The following is an entry in ClinVar:

NM_002256.4(KISS1):c.242C>G (p.Pro81Arg)

Gene: KISS1 (KiSS-1 metastasis suppressor; minus strand). Cytogenetic location: 1q32.1.
Variant type: single nucleotide variant.
Coding change: c.242C>G on transcript NM_002256.4 (MANE Select); coding-DNA position 242, C replaced by G.
Protein change: p.Pro81Arg; replaces proline 81 with arginine.
Molecular consequence: missense variant.
Genome position (GRCh38, 1-based): chr1:204,190,659, G>C on the plus strand (C>G on the coding strand, the complement: KISS1 is on the minus strand). VCF-style: chr1-204190659-G-C. GRCh37 (hg19) VCF-style: chr1-204159787-G-C.
Other names: short protein forms P81R.
Identifiers: ClinVar variation 1174871 (VCV001174871.18), dbSNP rs4889, ClinGen allele CA1345153.

ClinVar aggregate classification (germline): Benign. Review status: criteria provided, multiple submitters, no conflicts (2 of 4 stars). 6 submissions from 6 submitters: Benign (4). 2 of the submissions do not count toward it. Last evaluated 2026-02-04.

Conditions:
Hypogonadotropic hypogonadism 13 with or without anosmia (HH13). Also called: KISS1-Related GnRH Deficiency. Identifiers: Orphanet 432, MedGen C3541462, MONDO:0013915, OMIM 614842.

Allele frequency attached by ClinVar (database versions not stated): ESP Exome Variant Server 0.20896; gnomAD 0.29663 and 0.29766; TOPMed 0.30937; 1000 Genomes Project 0.32987; 1000 Genomes Project 30x 0.33011; ExAC 0.34126.
gnomAD v4.1: 416,980 of 1,584,008 alleles (26%); highest among the groups gnomAD compares: East Asian, 44%; 56,748 homozygotes.

Submissions (6):

Labcorp Genetics (formerly Invitae), Labcorp
Classification: Benign. Last evaluated: 2026-02-04. Review status: criteria provided, single submitter. Criteria: Invitae Variant Classification Sherloc (09022015). Collection method: clinical testing. Allele origin: germline.

Genome-Nilou Lab
Classification: Benign for Hypogonadotropic hypogonadism 13 with or without anosmia. Last evaluated: 2021-08-19. Review status: criteria provided, single submitter. Criteria: ACMG Guidelines, 2015. Collection method: clinical testing. Allele origin: germline. Affected: no.

GeneDx
Classification: Benign. Last evaluated: 2015-03-03. Review status: criteria provided, single submitter. Criteria: GeneDx Variant Classification Process June 2021. Collection method: clinical testing. Allele origin: germline. Affected: yes.
Comment: This variant is associated with the following publications: (PMID: 25120323)

Breakthrough Genomics
Classification: Benign. Review status: criteria provided, single submitter. Criteria: ACMG Guidelines, 2015. Collection method: not provided. Allele origin: germline. Inheritance: Autosomal recessive inheritance. Affected: yes.

Diagnostic Laboratory, Department of Genetics, University Medical Center Groningen
Classification: Benign. Review status: no assertion criteria provided. Collection method: clinical testing. Allele origin: germline. Affected: yes. Study: VKGL Data-share Consensus. Not counted in ClinVar's aggregate classification.

Joint Genome Diagnostic Labs from Nijmegen and Maastricht, Radboudumc and MUMC+
Classification: Benign. Review status: no assertion criteria provided. Collection method: clinical testing. Allele origin: germline. Affected: yes. Study: VKGL Data-share Consensus. Not counted in ClinVar's aggregate classification.